The following is an entry in ClinVar:

NM_016816.4(OAS1):c.500C>G (p.Pro167Arg)

Gene: OAS1 (2'-5'-oligoadenylate synthetase 1; plus strand). Cytogenetic location: 12q24.13.
Variant type: single nucleotide variant.
Coding change: c.500C>G on transcript NM_016816.4 (MANE Select); coding-DNA position 500, C replaced by G.
Protein change: p.Pro167Arg; replaces proline 167 with arginine.
Molecular consequence: missense variant. On other transcripts: non-coding transcript variant (5), intron variant (9).
Genome position (GRCh38, 1-based): chr12:112,911,081, C>G. VCF-style: chr12-112911081-C-G. GRCh37 (hg19) VCF-style: chr12-113348886-C-G.
Other names: c.500C>G, p.Pro167Arg (NM_001320151.2, NM_001406022.1, NM_001412228.1 and 2 more transcripts); c.470-17C>G (NM_001406025.1, NM_001406024.1, NM_001406023.1 and 2 more transcripts); c.180+3862C>G (NM_001406030.1, NM_001406029.1, NM_001406027.1 and 1 more transcripts); short protein forms P167R.
Identifiers: ClinVar variation 2781224 (VCV002781224.3), dbSNP rs761279767, ClinGen allele CA386803070.

ClinVar aggregate classification (germline): Uncertain significance (1 of 4 stars; one submission).

Submission:

Labcorp Genetics (formerly Invitae), Labcorp
Classification: Uncertain significance. Last evaluated: 2025-09-02. Review status: criteria provided, single submitter. Criteria: Invitae Variant Classification Sherloc (09022015). Collection method: clinical testing. Allele origin: germline.
Comment: This sequence change replaces proline, which is neutral and non-polar, with arginine, which is basic and polar, at codon 167 of the OAS1 protein (p.Pro167Arg). This variant is not present in population databases (gnomAD no frequency). This variant has not been reported in the literature in individuals affected with OAS1-related conditions. ClinVar contains an entry for this variant (Variation ID: 2781224). An algorithm developed to predict the effect of missense changes on protein structure and function (PolyPhen-2) suggests that this variant is likely to be disruptive. In summary, the available evidence is currently insufficient to determine the role of this variant in disease. Therefore, it has been classified as a Variant of Uncertain Significance.